The following is an entry in ClinVar:

NM_198428.3(BBS9):c.2434A>T (p.Ile812Phe)

Gene: BBS9 (Bardet-Biedl syndrome 9; plus strand). Cytogenetic location: 7p14.3.
Variant type: single nucleotide variant.
Coding change: c.2434A>T on transcript NM_198428.3 (MANE Select); coding-DNA position 2434, A replaced by T.
Protein change: p.Ile812Phe; replaces isoleucine 812 with phenylalanine.
Molecular consequence: missense variant. On other transcripts: non-coding transcript variant (3).
Genome position (GRCh38, 1-based): chr7:33,534,089, A>T. VCF-style: chr7-33534089-A-T. GRCh37 (hg19) VCF-style: chr7-33573701-A-T.
Other names: c.2314A>T, p.Ile772Phe (NM_001348040.3, NM_014451.4); c.2434A>T, p.Ile812Phe (NM_001348041.4, NM_001348043.3, NM_001362679.1 and 1 more transcripts); c.2299A>T, p.Ile767Phe (NM_001348042.3); c.1963A>T, p.Ile655Phe (NM_001348044.3); c.2068A>T, p.Ile690Phe (NM_001348045.3, NM_001348046.3); c.2329A>T, p.Ile777Phe (NM_001033604.2); c.2419A>T, p.Ile807Phe (NM_001033605.2); c.1885A>T, p.Ile629Phe (NM_001348037.3); and 2 more; short protein forms I690F, I721F, I655F, I686F, I767F, I777F, I807F, I629F.
Identifiers: ClinVar variation 958389 (VCV000958389.11), dbSNP rs779871496, ClinGen allele CA4214681.

ClinVar aggregate classification (germline): Uncertain significance. Review status: criteria provided, multiple submitters, no conflicts (2 of 4 stars). 4 submissions from 4 submitters: Uncertain significance (3). 1 of the submissions does not count toward it. Last evaluated 2025-10-14.

Conditions:
Bardet-Biedl syndrome 9 (BBS9). Identifiers: Orphanet 110, MedGen C1859567, MONDO:0014437, OMIM 615986.
Bardet-Biedl syndrome (BBS). Identifiers: Orphanet 110, MedGen C0752166, MONDO:0015229.
BBS9-related disorder. Also called: BBS9-related condition.
Inborn genetic diseases. Identifiers: MedGen C0950123, MeSH D030342.

Allele frequency attached by ClinVar (database versions not stated): ExAC 0.00002; gnomAD exomes 0.00002 and 0.00005; gnomAD 0.00003 and 0.00004; TOPMed 0.00004.
gnomAD v4.1: 76 of 1,614,096 alleles (0.0047%); highest among the groups gnomAD compares: Non-Finnish European, 0.0063%; no homozygotes.

Submissions (4):

Ambry Genetics
Classification: Uncertain significance for Inborn genetic diseases. Last evaluated: 2025-10-14. Review status: criteria provided, single submitter. Criteria: Ambry Variant Classification Scheme 2023. Collection method: clinical testing. Allele origin: germline.

Fulgent Genetics
Classification: Uncertain significance for Bardet-Biedl syndrome 9. Last evaluated: 2024-05-28. Review status: criteria provided, single submitter. Criteria: ACMG Guidelines, 2015. Collection method: clinical testing. Allele origin: germline.

Labcorp Genetics (formerly Invitae), Labcorp
Classification: Uncertain significance for Bardet-Biedl syndrome. Last evaluated: 2022-08-31. Review status: criteria provided, single submitter. Criteria: Invitae Variant Classification Sherloc (09022015). Collection method: clinical testing. Allele origin: germline.
Comment: This sequence change replaces isoleucine, which is neutral and non-polar, with phenylalanine, which is neutral and non-polar, at codon 812 of the BBS9 protein (p.Ile812Phe). This variant is present in population databases (rs779871496, gnomAD 0.008%). This variant has not been reported in the literature in individuals affected with BBS9-related conditions. ClinVar contains an entry for this variant (Variation ID: 958389). Algorithms developed to predict the effect of missense changes on protein structure and function are either unavailable or do not agree on the potential impact of this missense change (SIFT: "Deleterious"; PolyPhen-2: "Probably Damaging"; Align-GVGD: "Class C15"). In summary, the available evidence is currently insufficient to determine the role of this variant in disease. Therefore, it has been classified as a Variant of Uncertain Significance.

PreventionGenetics, part of Exact Sciences
Classification: Uncertain significance for BBS9-related condition. Last evaluated: 2024-05-28. Review status: no assertion criteria provided. Collection method: clinical testing. Allele origin: germline. Not counted in ClinVar's aggregate classification.
Comment: The BBS9 c.2434A>T variant is predicted to result in the amino acid substitution p.Ile812Phe. To our knowledge, this variant has not been reported in the literature. This variant is reported in 0.0080% of alleles in individuals of African descent in gnomAD. At this time, the clinical significance of this variant is uncertain due to the absence of conclusive functional and genetic evidence.